The following is an entry in ClinVar:

ClinVar aggregate classification (germline): Likely pathogenic (1 of 4 stars; one submission).

Conditions:
Pontoneocerebellar hypoplasia. Also called: Pontocerebellar hypoplasia; Non-syndromic pontocerebellar hypoplasia. Identifiers: Orphanet 98523, MedGen C1261175, MONDO:0020135.

Submission:

Laboratory for Molecular Medicine, Mass General Brigham Personalized Medicine
Classification: Likely pathogenic for Pontoneocerebellar hypoplasia. Last evaluated: 2024-01-02. Review status: criteria provided, single submitter. Criteria: ACMG Guidelines, 2015. Collection method: clinical testing. Allele origin: germline. Inheritance: Autosomal recessive inheritance.
Comment: The p.Glu38X variant in EXOSC3 has not been previously reported in individuals with pontocerebellar hypoplasia or EXOSC3-associated conditions but has been identified in 0.006% (2/33974) of Latino chromosomes by gnomAD (v.3.1.2). This nonsense variant leads to a premature termination codon at position 38, which is predicted to lead to a truncated or absent protein. Loss of function (LOF) variants have been reported in individuals with pontocerebellar hypoplasia in the literature (Wan 2012 PMID: 22544365, Rudnik-Schloneborn 2013 PMID: 23284067, Eggens 2014 PMID: 24524299) and LOF variants downstream of this variant have been reported in the HGMD database . In summary, although additional studies are required to fully establish its clinical significance, this variant meets criteria to be classified as likely pathogenic for autosomal recessive pontocerebellar hypoplasia type 1B. ACMG/AMP Criteria applied: PVS1, PM2_Supporting.

Literature cited by the submitters: PubMed 23284067; PubMed 24524299; PubMed 22544365.

NM_016042.4(EXOSC3):c.112G>T (p.Glu38Ter)

Gene: EXOSC3 (exosome component 3; minus strand). Cytogenetic location: 9p13.2.
Variant type: single nucleotide variant.
Coding change: c.112G>T on transcript NM_016042.4 (MANE Select); coding-DNA position 112, G replaced by T.
Protein change: p.Glu38Ter; replaces glutamic acid 38 with a stop codon.
Molecular consequence: nonsense.
Genome position (GRCh38, 1-based): chr9:37,784,933, C>A on the plus strand (G>T on the coding strand, the complement: EXOSC3 is on the minus strand). VCF-style: chr9-37784933-C-A. GRCh37 (hg19) VCF-style: chr9-37784930-C-A.
Other names: c.112G>T, p.Glu38Ter (NM_001002269.2); short protein forms E38*.
Identifiers: ClinVar variation 3075964 (VCV003075964.2), dbSNP rs1427979807, ClinGen allele CA373476031.